The following is an entry in ClinVar:

NM_006796.3(AFG3L2):c.1027-7T>G

Gene: AFG3L2 (AFG3 like matrix AAA peptidase subunit 2; minus strand). Cytogenetic location: 18p11.21.
Variant type: single nucleotide variant.
Coding change: c.1027-7T>G on transcript NM_006796.3 (MANE Select); 7 bases into the intron before coding-DNA position 1027, T replaced by G.
Molecular consequence: intron variant.
Genome position (GRCh38, 1-based): chr18:12,356,838, A>C on the plus strand (T>G on the coding strand, the complement: AFG3L2 is on the minus strand). VCF-style: chr18-12356838-A-C. GRCh37 (hg19) VCF-style: chr18-12356837-A-C.
Identifiers: ClinVar variation 3900397 (VCV003900397.1).

ClinVar aggregate classification (germline): Uncertain significance (1 of 4 stars; one submission).

Submission:

GeneDx
Classification: Uncertain significance. Last evaluated: 2024-11-20. Review status: criteria provided, single submitter. Criteria: GeneDx Variant Classification Process June 2021. Collection method: clinical testing. Allele origin: germline. Affected: yes.
Comment: Not observed at significant frequency in large population cohorts (gnomAD); In silico analysis supports a deleterious effect on splicing; Has not been previously published as pathogenic or benign to our knowledge